The following is an entry in ClinVar:

ClinVar aggregate classification (germline): Uncertain significance (1 of 4 stars; one submission).

Conditions:
Pitt-Hopkins syndrome (PTHS). Also called: ENCEPHALOPATHY, SEVERE EPILEPTIC, WITH AUTONOMIC DYSFUNCTION; MENTAL RETARDATION, SYNDROMAL, WITH INTERMITTENT HYPERVENTILATION. Identifiers: Orphanet 2896, MedGen C1970431, MONDO:0012589, OMIM 610954.

Allele frequency attached by ClinVar (database versions not stated): ExAC 0.00001; ESP Exome Variant Server 0.00008.

Submission:

Labcorp Genetics (formerly Invitae), Labcorp
Classification: Uncertain significance for Pitt-Hopkins syndrome. Last evaluated: 2023-08-17. Review status: criteria provided, single submitter. Criteria: Invitae Variant Classification Sherloc (09022015). Collection method: clinical testing. Allele origin: germline.
Comment: This sequence change replaces proline, which is neutral and non-polar, with serine, which is neutral and polar, at codon 202 of the TCF4 protein (p.Pro202Ser). In summary, the available evidence is currently insufficient to determine the role of this variant in disease. Therefore, it has been classified as a Variant of Uncertain Significance. Advanced modeling of protein sequence and biophysical properties (such as structural, functional, and spatial information, amino acid conservation, physicochemical variation, residue mobility, and thermodynamic stability) performed at Invitae indicates that this missense variant is not expected to disrupt TCF4 protein function. ClinVar contains an entry for this variant (Variation ID: 2123559). This variant has not been reported in the literature in individuals affected with TCF4-related conditions. This variant is present in population databases (rs144835402, gnomAD 0.0009%).

NM_001083962.2(TCF4):c.604C>T (p.Pro202Ser)

Gene: TCF4 (transcription factor 4; minus strand). Cytogenetic location: 18q21.2.
Variant type: single nucleotide variant.
Coding change: c.604C>T on transcript NM_001083962.2 (MANE Select); coding-DNA position 604, C replaced by T.
Protein change: p.Pro202Ser; replaces proline 202 with serine.
Molecular consequence: missense variant. On other transcripts: 5 prime UTR variant (1).
Genome position (GRCh38, 1-based): chr18:55,279,602, G>A on the plus strand (C>T on the coding strand, the complement: TCF4 is on the minus strand). VCF-style: chr18-55279602-G-A. GRCh37 (hg19) VCF-style: chr18-52946833-G-A.
Other names: c.910C>T, p.Pro304Ser (NM_001243226.3); c.604C>T, p.Pro202Ser (NM_001369572.1, NM_001369574.1, NM_001330604.3 and 4 more transcripts); c.601C>T, p.Pro201Ser (NM_001369573.1, NM_001369569.1, NM_001369570.1); c.529C>T, p.Pro177Ser (NM_001369576.1, NM_001369581.1, NM_001348220.1 and 3 more transcripts); c.532C>T, p.Pro178Ser (NM_001369577.1, NM_001369575.1, NM_001369580.1 and 9 more transcripts); c.622C>T, p.Pro208Ser (NM_001243228.2); c.598C>T, p.Pro200Ser (NM_001243230.2); c.478C>T, p.Pro160Ser (NM_001243231.2, NM_001348211.2); and 4 more; short protein forms P131S, P304S, P177S, P200S, P201S, P42S, P160S, P202S.
Identifiers: ClinVar variation 2123559 (VCV002123559.4), dbSNP rs144835402, ClinGen allele CA8970449.
Genomic context (GRCh38, chr18:55,279,602, plus strand): 5'-GCATCTTACCTTGCATGAAGAAGGAGCTAGGGAAAGTGCTGGTTGCTGGTTTGGAGGAAG[G>A]ATAGCCTGGCGAGTCCCTATTGTAGTCGGCAGTGCTTGCTGATGGAGCATAGACCTGAGG-3'
Protein context (NP_001077431.1, residues 192-212): ADYNRDSPGY[Pro202Ser]SSKPATSTFP